The following is an entry in ClinVar:

ClinVar aggregate classification (germline): Uncertain significance (1 of 4 stars; one submission).

Conditions:
Spastic paraplegia. Identifiers: MedGen C0037772, HP:0001258.

Allele frequency attached by ClinVar (database versions not stated): TOPMed 0.00001; ExAC 0.00002; gnomAD 0.00002; gnomAD exomes 0.00002.

Submission:

Labcorp Genetics (formerly Invitae), Labcorp
Classification: Uncertain significance for Spastic paraplegia. Last evaluated: 2023-08-25. Review status: criteria provided, single submitter. Criteria: Invitae Variant Classification Sherloc (09022015). Collection method: clinical testing. Allele origin: germline.
Comment: In summary, the available evidence is currently insufficient to determine the role of this variant in disease. Therefore, it has been classified as a Variant of Uncertain Significance. Advanced modeling of protein sequence and biophysical properties (such as structural, functional, and spatial information, amino acid conservation, physicochemical variation, residue mobility, and thermodynamic stability) has been performed at Invitae for this missense variant, however the output from this modeling did not meet the statistical confidence thresholds required to predict the impact of this variant on SLC16A2 protein function. ClinVar contains an entry for this variant (Variation ID: 2172364). This variant has not been reported in the literature in individuals affected with SLC16A2-related conditions. This variant is present in population databases (rs766492237, gnomAD 0.006%), including at least one homozygous and/or hemizygous individual. This sequence change replaces arginine, which is basic and polar, with histidine, which is basic and polar, at codon 167 of the SLC16A2 protein (p.Arg167His).

NM_006517.5(SLC16A2):c.500G>A (p.Arg167His)

Gene: SLC16A2 (solute carrier family 16 member 2; plus strand). Cytogenetic location: Xq13.2.
Variant type: single nucleotide variant.
Coding change: c.500G>A on transcript NM_006517.5 (MANE Select); coding-DNA position 500, G replaced by A.
Protein change: p.Arg167His; replaces arginine 167 with histidine.
Molecular consequence: missense variant.
Genome position (GRCh38, 1-based): chrX:74,521,059, G>A. VCF-style: chrX-74521059-G-A. GRCh37 (hg19) VCF-style: chrX-73740894-G-A.
Other names: short protein forms R167H.
Identifiers: ClinVar variation 2172364 (VCV002172364.4), dbSNP rs766492237, ClinGen allele CA10454412.
Genomic context (GRCh38, chrX:74,521,059, plus strand): 5'-GAGCCCTCGCGATGGGTATGATCTTCTTCTGTTCTCCCATTGTGAGTATATTCACTGACC[G>A]TTTGGGCTGCCGAATCACAGCAACCGCGGGGGCTGCCGTTGCTTTCATTGGCCTCCATAC-3'
Protein context (NP_006508.2, residues 157-177): CSPIVSIFTD[Arg167His]LGCRITATAG